The following is an entry in ClinVar:

ClinVar aggregate classification (germline): Pathogenic. Review status: criteria provided, multiple submitters, no conflicts (2 of 4 stars). 2 submissions from 2 submitters: Pathogenic (2). Last evaluated 2026-01-14.

Conditions:
Neurofibromatosis, type 1 (NF1). Also called: Neurofibromatosis, type I; NEUROFIBROMATOSIS, TYPE I, SOMATIC; Peripheral type neurofibromatosis; VON RECKLINGHAUSEN DISEASE. Identifiers: Orphanet 636, MedGen C0027831, MONDO:0018975, OMIM 162200. Disease mechanism: loss of function.

Submissions (2):

Labcorp Genetics (formerly Invitae), Labcorp
Classification: Pathogenic for Neurofibromatosis, type 1. Last evaluated: 2026-01-14. Review status: criteria provided, single submitter. Criteria: Invitae Variant Classification Sherloc (09022015). Collection method: clinical testing. Allele origin: germline.
Comment: This sequence change creates a premature translational stop signal (p.Cys622Valfs*9) in the NF1 gene. It is expected to result in an absent or disrupted protein product. Loss-of-function variants in NF1 are known to be pathogenic (PMID: 10712197, 23913538). This variant is not present in population databases (gnomAD no frequency). This premature translational stop signal has been observed in individual(s) with neurofibromatosis type 1 (PMID: 31370276). ClinVar contains an entry for this variant (Variation ID: 430095). Studies have shown that this premature translational stop signal is associated with inconclusive levels of altered splicing (internal data). For these reasons, this variant has been classified as Pathogenic.

GeneDx
Classification: Pathogenic. Last evaluated: 2019-07-05. Review status: criteria provided, single submitter. Criteria: GeneDx Variant Classification Process June 2021. Collection method: clinical testing. Allele origin: germline. Affected: yes.
Comment: Frameshift variant predicted to result in protein truncation or nonsense mediated decay in a gene for which loss-of-function is a known mechanism of disease; Not observed in large population cohorts (Lek et al., 2016); This variant is associated with the following publications: (PMID: 16380919, 21344624, 31730495, 31370276)

Literature cited by the submitters: PubMed 10712197 (cited by Labcorp Genetics (formerly Invitae), Labcorp); PubMed 23913538 (cited by Labcorp Genetics (formerly Invitae), Labcorp); PubMed 31370276 (cited by Labcorp Genetics (formerly Invitae), Labcorp).

NM_001042492.3(NF1):c.1863del (p.Cys622fs)

Gene: NF1 (neurofibromin 1; plus strand). Cytogenetic location: 17q11.2.
Variant type: Deletion.
Coding change: c.1863del on transcript NM_001042492.3 (MANE Select); coding-DNA position 1863, one base deleted (C; older notation c.1863delC).
Protein change: p.Cys622fs; shifts the reading frame from cysteine 622.
Molecular consequence: frameshift variant.
Genome position (GRCh38, 1-based): chr17:31,225,112, C deleted; the last of 2 consecutive C bases (chr17:31,225,111-31,225,112); deleting either gives the same sequence. VCF-style (leftmost placement, unchanged base first): chr17-31225110-TC-T. GRCh37 (hg19) VCF-style: chr17-29552128-TC-T.
Other names: c.1863delC (NM_000267.3); c.1863delC, p.Cys622Valfs (NM_000267.4); short protein forms C622fs.
Identifiers: ClinVar variation 430095 (VCV000430095.5), dbSNP rs1131691777, ClinGen allele CA645369656.